The following is an entry in ClinVar:

ClinVar aggregate classification (germline): Pathogenic/Likely pathogenic. Review status: criteria provided, multiple submitters, no conflicts (2 of 4 stars). 3 submissions from 3 submitters: Pathogenic (1); Likely pathogenic (1). 1 of the submissions does not count toward it. Last evaluated 2026-01-28.

Conditions:
Hereditary factor XI deficiency disease. Also called: PLASMA THROMBOPLASTIN ANTECEDENT DEFICIENCY; PTA DEFICIENCY; ROSENTHAL SYNDROME; Congenital factor XI deficiency. Identifiers: Orphanet 329, MedGen C0015523, MeSH D005173, MONDO:0012897, OMIM 612416.

Allele frequency attached by ClinVar (database versions not stated): gnomAD exomes below 0.00001.
gnomAD v4.1: 3 of 1,614,002 alleles (0.00019%); highest among the groups gnomAD compares: Non-Finnish European, 0.00025%; no homozygotes.

Submissions (3):

GeneDx
Classification: Likely pathogenic. Last evaluated: 2026-01-28. Review status: criteria provided, single submitter. Criteria: GeneDx Variant Classification Process June 2021. Collection method: clinical testing. Allele origin: germline.
Comment: Nonsense variant predicted to result in protein truncation or nonsense mediated decay in a gene for which loss of function is a known mechanism of disease; Not observed at significant frequency in large population cohorts (gnomAD); Has not been previously published as pathogenic or benign to our knowledge

Labcorp Genetics (formerly Invitae), Labcorp
Classification: Pathogenic. Last evaluated: 2023-04-25. Review status: criteria provided, single submitter. Criteria: Invitae Variant Classification Sherloc (09022015). Collection method: clinical testing. Allele origin: germline.
Comment: For these reasons, this variant has been classified as Pathogenic. ClinVar contains an entry for this variant (Variation ID: 371138). This variant has not been reported in the literature in individuals affected with F11-related conditions. This variant is not present in population databases (gnomAD no frequency). This sequence change creates a premature translational stop signal (p.Gln464*) in the F11 gene. It is expected to result in an absent or disrupted protein product. Loss-of-function variants in F11 are known to be pathogenic (PMID: 23929304).

Counsyl
Classification: Likely pathogenic for Hereditary factor XI deficiency disease. Last evaluated: 2016-07-07. Review status: no assertion criteria provided. Collection method: clinical testing. Allele origin: unknown. Not counted in ClinVar's aggregate classification.

Literature cited by the submitters: PubMed 23929304 (cited by Labcorp Genetics (formerly Invitae), Labcorp).

NM_000128.4(F11):c.1390C>T (p.Gln464Ter)

Gene: F11 (coagulation factor XI; plus strand). Cytogenetic location: 4q35.2.
Variant type: single nucleotide variant.
Coding change: c.1390C>T on transcript NM_000128.4 (MANE Select); coding-DNA position 1390, C replaced by T.
Protein change: p.Gln464Ter; replaces glutamine 464 with a stop codon.
Molecular consequence: nonsense.
Genome position (GRCh38, 1-based): chr4:186,285,723, C>T. VCF-style: chr4-186285723-C-T. GRCh37 (hg19) VCF-style: chr4-187206877-C-T.
Other names: short protein forms Q464*.
Identifiers: ClinVar variation 371138 (VCV000371138.7), dbSNP rs1057517035, ClinGen allele CA16040948.